The following is an entry in ClinVar:

NM_000219.6(KCNE1):c.274A>G (p.Lys92Glu)

Gene: KCNE1 (potassium voltage-gated channel subfamily E regulatory subunit 1; minus strand). Cytogenetic location: 21q22.12.
Variant type: single nucleotide variant.
Coding change: c.274A>G on transcript NM_000219.6 (MANE Select); coding-DNA position 274, A replaced by G.
Protein change: p.Lys92Glu; replaces lysine 92 with glutamic acid.
Molecular consequence: missense variant.
Genome position (GRCh38, 1-based): chr21:34,449,361, T>C on the plus strand (A>G on the coding strand, the complement: KCNE1 is on the minus strand). VCF-style: chr21-34449361-T-C. GRCh37 (hg19) VCF-style: chr21-35821659-T-C.
Other names: c.274A>G, p.Lys92Glu (NM_001127668.4, NM_001127669.4, NM_001127670.4 and 4 more transcripts); short protein forms K92E.
Identifiers: ClinVar variation 3374504 (VCV003374504.2).

Conditions:
Long QT syndrome 5 (LQT5). Identifiers: Orphanet 101016, Orphanet 768, MedGen C1867904, MONDO:0013372, OMIM 613695.

Submission:

Roden Lab, Vanderbilt University Medical Center
No classification provided (evidence only). Condition: Long QT syndrome 5. Review status: no classification provided. Collection method: in vitro. Allele origin: not applicable. Functional consequence: Effect on ion channel function.
ClinVar note: "not provided" was previously submitted as the classification for the variant. However, the classification appeared to be based only on an observation of functional data so it was converted to no classification on 2025-07-30.